The following is an entry in ClinVar:

NM_000051.4(ATM):c.990A>G (p.Gly330=)

Gene: ATM (ATM serine/threonine kinase; plus strand). Cytogenetic location: 11q22.3.
Variant type: single nucleotide variant.
Coding change: c.990A>G on transcript NM_000051.4 (MANE Select); coding-DNA position 990, A replaced by G.
Protein change: p.Gly330=; no amino-acid change (glycine 330 retained).
Molecular consequence: synonymous variant.
Genome position (GRCh38, 1-based): chr11:108,247,052, A>G. VCF-style: chr11-108247052-A-G. GRCh37 (hg19) VCF-style: chr11-108117779-A-G.
Other names: c.990A>G, p.Gly330= (NM_001351834.2).
Identifiers: ClinVar variation 507002 (VCV000507002.4), dbSNP rs1555068447, ClinGen allele CA476671543.
Genomic context (GRCh38, chr11:108,247,052, plus strand): 5'-TATTTTATACAACTTATATGATCTGCTAGTGAATGAGATAAGTCATATAGGAAGTAGAGG[A>G]AAGTATTCTTCAGGATTTCGTAATATTGCCGTCAAAGAAAATTTGATTGAATTGATGGCA-3'
Protein context (NP_000042.3, residues 320-340): VNEISHIGSR[Gly330=]KYSSGFRNIA

ClinVar aggregate classification (germline): Benign/Likely benign. Review status: criteria provided, multiple submitters, no conflicts (2 of 4 stars). 3 submissions from 3 submitters: Benign (1); Likely benign (2). Last evaluated 2024-04-24.

Conditions:
Hereditary cancer-predisposing syndrome. Also called: Hereditary neoplastic syndrome; Hereditary Cancer Syndrome; Neoplastic Syndromes, Hereditary; Tumor predisposition. Identifiers: Orphanet 140162, MedGen C0027672, MeSH D009386, MONDO:0015356.
Familial cancer of breast. Also called: hereditary breast carcinoma; BREAST CANCER, FAMILIAL; Hereditary breast cancer. Identifiers: Orphanet 227535, MedGen C0346153, MONDO:0016419, OMIM 114480. Disease mechanism: loss of function.

gnomAD v4.1: 2 of 1,613,848 alleles (0.00012%); highest among the groups gnomAD compares: Non-Finnish European, 0.00017%; no homozygotes.

Submissions (3):

Myriad Genetics, Inc.
Classification: Benign for Familial cancer of breast. Last evaluated: 2024-04-24. Review status: criteria provided, single submitter. Criteria: Myriad Autosomal Dominant, Autosomal Recessive and X-Linked Classification Criteria (2023). Collection method: clinical testing. Allele origin: unknown.
Comment: This variant is considered benign. This variant is a silent/synonymous amino acid change and it is not expected to impact splicing.

Ambry Genetics
Classification: Likely benign for Hereditary cancer-predisposing syndrome. Last evaluated: 2021-02-15. Review status: criteria provided, single submitter. Criteria: Ambry Variant Classification Scheme 2023. Collection method: clinical testing. Allele origin: germline.

GeneDx
Classification: Likely benign. Last evaluated: 2017-01-20. Review status: criteria provided, single submitter. Criteria: GeneDx Variant Classification (06012015). Collection method: clinical testing. Allele origin: germline. Affected: yes.
Comment: This variant is considered likely benign or benign based on one or more of the following criteria: it is a conservative change, it occurs at a poorly conserved position in the protein, it is predicted to be benign by multiple in silico algorithms, and/or has population frequency not consistent with disease.